The following is an entry in ClinVar:

NM_006269.2(RP1):c.5348T>G (p.Val1783Gly)

Genes: RP1 (RP1 axonemal microtubule associated; plus strand), LOC126860392 (CDK7 strongly-dependent group 2 enhancer GRCh37_chr8:55541319-55542518; plus strand). Cytogenetic location: 8q12.1.
Variant type: single nucleotide variant.
Coding change: c.5348T>G on transcript NM_006269.2 (MANE Select); coding-DNA position 5348, T replaced by G.
Protein change: p.Val1783Gly; replaces valine 1783 with glycine.
Molecular consequence: missense variant. On other transcripts: intron variant (1).
Genome position (GRCh38, 1-based): chr8:54,629,230, T>G. VCF-style: chr8-54629230-T-G. GRCh37 (hg19) VCF-style: chr8-55541790-T-G.
Other names: c.787+6942T>G (NM_001375654.1); short protein forms V1783G.
Identifiers: ClinVar variation 1042769 (VCV001042769.9), dbSNP rs1563333060, ClinGen allele CA370985853.

ClinVar aggregate classification (germline): Uncertain significance (1 of 4 stars; one submission).

Submission:

Labcorp Genetics (formerly Invitae), Labcorp
Classification: Uncertain significance. Last evaluated: 2020-06-09. Review status: criteria provided, single submitter. Criteria: Invitae Variant Classification Sherloc (09022015). Collection method: clinical testing. Allele origin: germline.
Comment: This variant has not been reported in the literature in individuals with RP1-related conditions. This variant is not present in population databases (ExAC no frequency). This sequence change replaces valine with glycine at codon 1783 of the RP1 protein (p.Val1783Gly). The valine residue is moderately conserved and there is a moderate physicochemical difference between valine and glycine. Algorithms developed to predict the effect of missense changes on protein structure and function are either unavailable or do not agree on the potential impact of this missense change (SIFT: "Deleterious"; PolyPhen-2: "Possibly Damaging"; Align-GVGD: "Class C0"). In summary, the available evidence is currently insufficient to determine the role of this variant in disease. Therefore, it has been classified as a Variant of Uncertain Significance.